The following is an entry in ClinVar:

ClinVar aggregate classification (germline): Uncertain significance (1 of 4 stars; one submission).

Allele frequency attached by ClinVar (database versions not stated): gnomAD 0.00001; gnomAD exomes 0.00002 and 0.00008; TOPMed 0.00002.
gnomAD v4.1: 114 of 1,535,112 alleles (0.0074%); highest among the groups gnomAD compares: Non-Finnish European, 0.0092%; no homozygotes.

Submission:

Labcorp Genetics (formerly Invitae), Labcorp
Classification: Uncertain significance. Last evaluated: 2022-10-17. Review status: criteria provided, single submitter. Criteria: Invitae Variant Classification Sherloc (09022015). Collection method: clinical testing. Allele origin: germline.
Comment: This sequence change replaces cysteine, which is neutral and slightly polar, with tyrosine, which is neutral and polar, at codon 792 of the ARMC9 protein (p.Cys792Tyr). This variant is present in population databases (no rsID available, gnomAD 0.005%). This variant has not been reported in the literature in individuals affected with ARMC9-related conditions. ClinVar contains an entry for this variant (Variation ID: 942043). Experimental studies and prediction algorithms are not available or were not evaluated, and the functional significance of this variant is currently unknown. In summary, the available evidence is currently insufficient to determine the role of this variant in disease. Therefore, it has been classified as a Variant of Uncertain Significance.

NM_001352754.2(ARMC9):c.2375G>A (p.Cys792Tyr)

Gene: ARMC9 (armadillo repeat containing 9; plus strand). Cytogenetic location: 2q37.1.
Variant type: single nucleotide variant.
Coding change: c.2375G>A on transcript NM_001352754.2 (MANE Select); coding-DNA position 2375, G replaced by A.
Protein change: p.Cys792Tyr; replaces cysteine 792 with tyrosine.
Molecular consequence: missense variant.
Genome position (GRCh38, 1-based): chr2:231,370,066, G>A. VCF-style: chr2-231370066-G-A. GRCh37 (hg19) VCF-style: chr2-232234777-G-A.
Other names: c.2375G>A, p.Cys792Tyr (NM_001271466.4); short protein forms C792Y.
Identifiers: ClinVar variation 942043 (VCV000942043.7), dbSNP rs951200938, ClinGen allele CA66863866.
Genomic context (GRCh38, chr2:231,370,066, plus strand): 5'-TGCTGGACTGGAACCCACCCAAGGCAAAGGCGTCAGTTCTGGCCCCTCTGTTCTCTTCGT[G>A]TGGCCCCCAGCAGGCCAGCCGCCCCGGCTCCACAGCGTCCTCCACAAGGGGCCTGCCGAG-3'
Protein context (NP_001339683.2, residues 782-802): ASVLAPLFSS[Cys792Tyr]GPQQASRPGS